The following is an entry in ClinVar:

ClinVar aggregate classification (germline): Benign/Likely benign. Review status: criteria provided, multiple submitters, no conflicts (2 of 4 stars). 4 submissions from 4 submitters: Benign (1); Likely benign (3). Last evaluated 2026-08-05.

Conditions:
Hereditary cancer-predisposing syndrome. Also called: Hereditary Cancer Syndrome; Hereditary neoplastic syndrome; Neoplastic Syndromes, Hereditary; Tumor predisposition. Identifiers: Orphanet 140162, MedGen C0027672, MeSH D009386, MONDO:0015356.
Hereditary pheochromocytoma and paraganglioma. Also called: Hereditary paragangliomas and pheochromocytomas; Hereditary Paraganglioma-Pheochromocytoma Syndromes; Hereditary pheochromocytoma-paraganglioma. Identifiers: Orphanet 29072, MedGen C4274332, MONDO:0017366.
Pheochromocytoma/paraganglioma syndrome 2. Also called: SDHAF2-Related Hereditary Paraganglioma-Pheochromocytoma Syndrome; GLOMUS TUMORS, FAMILIAL, 2; Paragangliomas 2; SDHAF2-Related Hereditary Paraganglioma-Pheochromocytoma Syndrome (Paragangliomas 2). Identifiers: Orphanet 29072, MedGen C1866552, MONDO:0011121, OMIM 601650.

gnomAD v4.1: 2 of 1,614,112 alleles (0.00012%); highest among the groups gnomAD compares: Non-Finnish European, 0.00017%; no homozygotes.

Submissions (4):

Myriad Genetics, Inc.
Classification: Benign for Pheochromocytoma/paraganglioma syndrome 2. Last evaluated: 2026-08-05. Review status: criteria provided, single submitter. Criteria: Myriad Autosomal Dominant, Autosomal Recessive and X-Linked Classification Criteria (2023). Collection method: clinical testing. Allele origin: unknown.
Comment: This variant is considered benign. This variant is a silent/synonymous amino acid change and it is not expected to impact splicing.

Color Diagnostics, LLC DBA Color Health
Classification: Likely benign for Hereditary pheochromocytoma and paraganglioma. Last evaluated: 2025-07-07. Review status: criteria provided, single submitter. Criteria: ACMG Guidelines, 2015. Collection method: clinical testing. Allele origin: germline.

Labcorp Genetics (formerly Invitae), Labcorp
Classification: Likely benign for Hereditary pheochromocytoma and paraganglioma. Last evaluated: 2024-08-14. Review status: criteria provided, single submitter. Criteria: Invitae Variant Classification Sherloc (09022015). Collection method: clinical testing. Allele origin: germline.

Ambry Genetics
Classification: Likely benign for Hereditary cancer-predisposing syndrome. Last evaluated: 2021-11-27. Review status: criteria provided, single submitter. Criteria: Ambry Variant Classification Scheme 2023. Collection method: clinical testing. Allele origin: germline.

NM_017841.4(SDHAF2):c.324G>A (p.Leu108=)

Gene: SDHAF2 (succinate dehydrogenase complex assembly factor 2; plus strand). Cytogenetic location: 11q12.2.
Variant type: single nucleotide variant.
Coding change: c.324G>A on transcript NM_017841.4 (MANE Select); coding-DNA position 324, G replaced by A.
Protein change: p.Leu108=; no amino-acid change (leucine 108 retained).
Molecular consequence: synonymous variant.
Genome position (GRCh38, 1-based): chr11:61,438,067, G>A. VCF-style: chr11-61438067-G-A. GRCh37 (hg19) VCF-style: chr11-61205539-G-A.
Identifiers: ClinVar variation 1125179 (VCV001125179.12), dbSNP rs1426061764, ClinGen allele CA474802928.